The following is an entry in ClinVar:

ClinVar aggregate classification (germline): Uncertain significance (1 of 4 stars; one submission).

Conditions:
Retinitis pigmentosa 12 (RP12). Also called: RP WITH OR WITHOUT PRESERVED PARAARTERIOLE RETINAL PIGMENT EPITHELIUM; RETINITIS PIGMENTOSA WITH OR WITHOUT PARAARTERIOLAR PRESERVATION OF RETINAL PIGMENT EPITHELIUM; RP WITH OR WITHOUT PPRPE. Identifiers: Orphanet 791, MedGen C1838647, MONDO:0010818, OMIM 600105.
Leber congenital amaurosis 8 (LCA8). Identifiers: Orphanet 65, MedGen C3151202, MONDO:0013453, OMIM 613835.

gnomAD v4.1: 2 of 1,612,672 alleles (0.00012%); highest among the groups gnomAD compares: Non-Finnish European, 0.000085%; no homozygotes.

Submission:

Labcorp Genetics (formerly Invitae), Labcorp
Classification: Uncertain significance for Leber congenital amaurosis 8; Retinitis pigmentosa 12. Last evaluated: 2021-07-17. Review status: criteria provided, single submitter. Criteria: Invitae Variant Classification Sherloc (09022015). Collection method: clinical testing. Allele origin: germline.
Comment: This sequence change replaces alanine with valine at codon 950 of the CRB1 protein (p.Ala950Val). The alanine residue is highly conserved and there is a small physicochemical difference between alanine and valine. This variant is not present in population databases (ExAC no frequency). This variant has not been reported in the literature in individuals with CRB1-related conditions. Algorithms developed to predict the effect of missense changes on protein structure and function are either unavailable or do not agree on the potential impact of this missense change (SIFT: "Deleterious"; PolyPhen-2: "Possibly Damaging"; Align-GVGD: "Class C0"). In summary, the available evidence is currently insufficient to determine the role of this variant in disease. Therefore, it has been classified as a Variant of Uncertain Significance.

NM_201253.3(CRB1):c.2849C>T (p.Ala950Val)

Gene: CRB1 (crumbs cell polarity complex component 1; plus strand). Cytogenetic location: 1q31.3.
Variant type: single nucleotide variant.
Coding change: c.2849C>T on transcript NM_201253.3 (MANE Select); coding-DNA position 2849, C replaced by T.
Protein change: p.Ala950Val; replaces alanine 950 with valine.
Molecular consequence: missense variant. On other transcripts: non-coding transcript variant (2), intron variant (1).
Genome position (GRCh38, 1-based): chr1:197,434,712, C>T. VCF-style: chr1-197434712-C-T. GRCh37 (hg19) VCF-style: chr1-197403842-C-T.
Other names: c.2513C>T, p.Ala838Val (NM_001193640.2); c.2777C>T, p.Ala926Val (NM_001257965.2); c.2129-888C>T (NM_001257966.2); short protein forms A838V, A950V, A926V.
Identifiers: ClinVar variation 1524814 (VCV001524814.8), dbSNP rs1665039717, ClinGen allele CA344042957.